The following is an entry in ClinVar:

NM_001519.4(BRF1):c.1693G>T (p.Ala565Ser)

Gene: BRF1 (BRF1 general transcription factor IIIB subunit; minus strand). Cytogenetic location: 14q32.33.
Variant type: single nucleotide variant.
Coding change: c.1693G>T on transcript NM_001519.4 (MANE Select); coding-DNA position 1693, G replaced by T.
Protein change: p.Ala565Ser; replaces alanine 565 with serine.
Molecular consequence: missense variant.
Genome position (GRCh38, 1-based): chr14:105,217,623, C>A on the plus strand (G>T on the coding strand, the complement: BRF1 is on the minus strand). VCF-style: chr14-105217623-C-A. GRCh37 (hg19) VCF-style: chr14-105683960-C-A.
Other names: c.1414G>T, p.Ala472Ser (NM_001242786.2); c.1348G>T, p.Ala450Ser (NM_001242787.2); c.1612G>T, p.Ala538Ser (NM_001242788.2); c.979G>T, p.Ala327Ser (NM_001242789.2); c.1081G>T, p.Ala361Ser (NM_145685.3); short protein forms A472S, A565S, A327S, A538S, A361S, A450S.
Identifiers: ClinVar variation 218592 (VCV000218592.5), dbSNP rs188142316, ClinGen allele CA249371.

ClinVar aggregate classification (germline): Uncertain significance. Review status: criteria provided, multiple submitters, no conflicts (2 of 4 stars). 3 submissions from 3 submitters: Uncertain significance (3). Last evaluated 2022-02-02.

Conditions:
Inborn genetic diseases. Identifiers: MedGen C0950123, MeSH D030342.
Cerebellar-facial-dental syndrome. Also called: Cerebellofaciodental syndrome. Identifiers: Orphanet 444072, MedGen C4015495, MONDO:0014529, OMIM 616202.

Allele frequency attached by ClinVar (database versions not stated): gnomAD 0.00002 and 0.00004; TOPMed 0.00002; 1000 Genomes Project 30x 0.00016; ExAC 0.00001; 1000 Genomes Project 0.00020.
gnomAD v4.1: 38 of 1,613,356 alleles (0.0024%); highest among the groups gnomAD compares: African/African-American, 0.033%; 1 homozygote.

Submissions (3):

Victorian Clinical Genetics Services, Murdoch Childrens Research Institute
Classification: Uncertain significance for Cerebellar-facial-dental syndrome. Last evaluated: 2022-02-02. Review status: criteria provided, single submitter. Criteria: ACMG Guidelines, 2015. Collection method: clinical testing. Allele origin: germline. Inheritance: Autosomal recessive inheritance. Affected: yes.
Comment: Based on the classification scheme VCGS_Germline_v1.3.4, this variant is classified as VUS-3C. Following criteria are met: 0102 - Loss of function is a known mechanism of disease in this gene and is associated with cerebellofaciodental syndrome (MIM#616202). (I) 0106 - This gene is associated with autosomal recessive disease. (I) 0115 - Variants in this gene are known to have variable expressivity (PMID: 25561519). (I) 0200 - Variant is predicted to result in a missense amino acid change from alanine to serine. (I) 0252 - This variant is homozygous. (I) 0304 - Variant is present in gnomAD <0.01 for a recessive condition (v2: 3 heterozygotes, 0 homozygotes). (SP) 0309 - An alternative amino acid change at the same position has been observed in gnomAD (v2: 2 heterozygotes, 0 homozygotes). (I) 0504 - Same amino acid change has been observed in placental mammals. (SB) 0604 - Variant is not located in an established domain, motif, hotspot or informative constraint region. (I) 0705 - No comparable missense variants have previous evidence for pathogenicity. (I) 0809 - Previous evidence of pathogenicity for this variant is inconclusive. It has been classified as a VUS by a diagnostic laboratory in ClinVar. (I) 0905 - No published segregation evidence has been identified for this variant. (I) 1007 - No published functional evidence has been identified for this variant. (I) 1208 - Inheritance information for this variant is not currently available in this individual. (I) Legend: (SP) - Supporting pathogenic, (I) - Information, (SB) - Supporting benign

Ambry Genetics
Classification: Uncertain significance for Inborn genetic diseases. Last evaluated: 2021-07-13. Review status: criteria provided, single submitter. Criteria: Ambry Variant Classification Scheme 2023. Collection method: clinical testing. Allele origin: germline.

Genomic Diagnostic Laboratory, Division of Genomic Diagnostics, Children's Hospital of Philadelphia
Classification: Uncertain significance. Last evaluated: 2015-06-17. Review status: criteria provided, single submitter. Criteria: DGD Variant Analysis Guidelines. Collection method: clinical testing. Allele origin: unknown.

Literature cited by the submitters: PubMed 25561519 (cited by Victorian Clinical Genetics Services, Murdoch Childrens Research Institute).